The following is an entry in ClinVar:

NM_000094.4(COL7A1):c.6899A>G (p.Gln2300Arg)

Gene: COL7A1 (collagen type VII alpha 1 chain; minus strand). Cytogenetic location: 3p21.31.
Variant type: single nucleotide variant.
Coding change: c.6899A>G on transcript NM_000094.4 (MANE Select); coding-DNA position 6899, A replaced by G.
Protein change: p.Gln2300Arg; replaces glutamine 2300 with arginine.
Molecular consequence: missense variant.
Genome position (GRCh38, 1-based): chr3:48,572,672, T>C on the plus strand (A>G on the coding strand, the complement: COL7A1 is on the minus strand). VCF-style: chr3-48572672-T-C. GRCh37 (hg19) VCF-style: chr3-48610105-T-C.
Other names: short protein forms Q2300R.
Identifiers: ClinVar variation 3344121 (VCV003344121.1).

ClinVar aggregate classification (germline): Pathogenic (0 of 4 stars; one submission).

Conditions:
COL7A1-related disorder. Also called: COL7A1-related condition; COL7A1- related disorders.

Submission:

PreventionGenetics, part of Exact Sciences
Classification: Pathogenic for COL7A1-related condition. Last evaluated: 2024-09-24. Review status: no assertion criteria provided. Collection method: clinical testing. Allele origin: germline.
Comment: The COL7A1 c.6899A>G variant is predicted to result in the amino acid substitution p.Gln2300Arg. This variant has been reported to segregate with disease in families with autosomal dominant epidermolysis bullosa pruriginosa (Jiang et al. 2002. PubMed ID: 12353709; Brick et al. 2012. PubMed ID: 23106673), and an individual with dystrophic epidermolysis bullosa (Kern et al. 2006. PubMed ID: 16484981). RT-PCR studies using proband's peripheral lymphocytes showed that this variant results in the skipping of exon 87 (Jiang et al. 2002. PubMed ID: 12353709). Canonical splice site variants that are predicted to interfere with normal splicing of exon 87 have also been documented to be disease causing (see Human Gene Mutation Database: c.6832-2A>G, c.6832-1G>C, c.6900+1G>A, c.6900+1G>C, and c.6900+1G>T). This variant has not been reported in a large population database, indicating this variant is rare. This variant is interpreted as pathogenic.